The following is an entry in ClinVar:

NM_206933.4(USH2A):c.6806-1G>T

Gene: USH2A (usherin; minus strand). Cytogenetic location: 1q41.
Variant type: single nucleotide variant.
Coding change: c.6806-1G>T on transcript NM_206933.4 (MANE Select); the canonical splice acceptor site of the intron before coding-DNA position 6806, G replaced by T.
Molecular consequence: splice acceptor variant.
Genome position (GRCh38, 1-based): chr1:215,970,777, C>A on the plus strand (G>T on the coding strand, the complement: USH2A is on the minus strand). VCF-style: chr1-215970777-C-A. GRCh37 (hg19) VCF-style: chr1-216144119-C-A.
Identifiers: ClinVar variation 4817143 (VCV004817143.1).

ClinVar aggregate classification (germline): Likely pathogenic (1 of 4 stars; one submission).

Conditions:
Usher syndrome type 2A. Also called: RETINAL DISEASE IN USHER SYNDROME TYPE IIA, MODIFIER OF; USHER SYNDROME, TYPE IIA. Identifiers: Orphanet 231178, Orphanet 886, MedGen C1848634, MONDO:0010169, OMIM 276901.

Submission:

Natera, Inc.
Classification: Likely pathogenic for Usher syndrome type 2A. Last evaluated: 2025-06-22. Review status: criteria provided, single submitter. Criteria: Natera Variant Classification Schema (03/2026). Collection method: clinical testing. Allele origin: germline.
Comment: The c.6806-1G>T variant in USH2A is a canonical splice acceptor site variant predicted to affect pre-mRNA splicing, which may result in an abnormal transcript and altered protein product. This variant is expected to result in nonsense mediated decay, truncation, or a dysfunctional protein product. This variant is rare in the general population with a frequency below the threshold expected for the associated phenotype(s). Given the available evidence, this variant is classified as Likely Pathogenic.